The following is an entry in ClinVar:

NM_000368.5(TSC1):c.870C>G (p.Ala290=)

Gene: TSC1 (TSC complex subunit 1; minus strand). Cytogenetic location: 9q34.13.
Variant type: single nucleotide variant.
Coding change: c.870C>G on transcript NM_000368.5 (MANE Select); coding-DNA position 870, C replaced by G.
Protein change: p.Ala290=; no amino-acid change (alanine 290 retained).
Molecular consequence: synonymous variant.
Genome position (GRCh38, 1-based): chr9:132,912,325, G>C on the plus strand (C>G on the coding strand, the complement: TSC1 is on the minus strand). VCF-style: chr9-132912325-G-C. GRCh37 (hg19) VCF-style: chr9-135787712-G-C.
Other names: c.870C>G, p.Ala290= (NM_001162426.2); c.717C>G, p.Ala239= (NM_001162427.2); c.507C>G, p.Ala169= (NM_001362177.2).
Identifiers: ClinVar variation 757950 (VCV000757950.18), dbSNP rs779155575, ClinGen allele CA039252.

ClinVar aggregate classification (germline): Benign/Likely benign. Review status: criteria provided, multiple submitters, no conflicts (2 of 4 stars). 4 submissions from 4 submitters: Benign (2); Likely benign (2). Last evaluated 2025-09-27.

Conditions:
Hereditary cancer-predisposing syndrome. Also called: Tumor predisposition; Hereditary Cancer Syndrome; Neoplastic Syndromes, Hereditary; Hereditary neoplastic syndrome. Identifiers: Orphanet 140162, MedGen C0027672, MeSH D009386, MONDO:0015356.
Tuberous sclerosis 1 (TSC1). Identifiers: Orphanet 805, MedGen C1854465, MONDO:0008612, OMIM 191100.

gnomAD v4.1: 3 of 1,614,114 alleles (0.00019%); highest among the groups gnomAD compares: Admixed American, 0.0017%; 1 homozygote.

Submissions (4):

Labcorp Genetics (formerly Invitae), Labcorp
Classification: Likely benign for Tuberous sclerosis 1. Last evaluated: 2025-09-27. Review status: criteria provided, single submitter. Criteria: Invitae Variant Classification Sherloc (09022015). Collection method: clinical testing. Allele origin: germline.

Myriad Genetics, Inc.
Classification: Benign for Tuberous sclerosis 1. Last evaluated: 2025-04-08. Review status: criteria provided, single submitter. Criteria: Myriad Autosomal Dominant, Autosomal Recessive and X-Linked Classification Criteria (2023). Collection method: clinical testing. Allele origin: unknown.
Comment: This variant is considered benign. This variant is a silent/synonymous amino acid change and it is not expected to impact splicing.

Genome-Nilou Lab
Classification: Benign for Tuberous sclerosis 1. Last evaluated: 2021-11-07. Review status: criteria provided, single submitter. Criteria: ACMG Guidelines, 2015. Collection method: clinical testing. Allele origin: germline. Affected: no.

Ambry Genetics
Classification: Likely benign for Hereditary cancer-predisposing syndrome. Last evaluated: 2019-03-18. Review status: criteria provided, single submitter. Criteria: Ambry Variant Classification Scheme 2023. Collection method: clinical testing. Allele origin: germline.